The following is an entry in ClinVar:

ClinVar aggregate classification (germline): Uncertain significance (1 of 4 stars; one submission).

Submission:

GeneDx
Classification: Uncertain significance. Last evaluated: 2026-06-10. Review status: criteria provided, single submitter. Criteria: GeneDx Variant Classification Process June 2021. Collection method: clinical testing. Allele origin: germline.
Comment: Not observed at significant frequency in large population cohorts (gnomAD); In silico analysis supports that this missense variant has a deleterious effect on protein structure/function; Has not been previously published as pathogenic or benign to our knowledge

NM_006852.6(TLK2):c.1268A>G (p.His423Arg)

Gene: TLK2 (tousled like kinase 2; plus strand). Cytogenetic location: 17q23.2.
Variant type: single nucleotide variant.
Coding change: c.1268A>G on transcript NM_006852.6 (MANE Select); coding-DNA position 1268, A replaced by G.
Protein change: p.His423Arg; replaces histidine 423 with arginine.
Molecular consequence: missense variant.
Genome position (GRCh38, 1-based): chr17:62,578,556, A>G. VCF-style: chr17-62578556-A-G. GRCh37 (hg19) VCF-style: chr17-60655917-A-G.
Other names: c.1334A>G, p.His445Arg (NM_001284333.3); c.1172A>G, p.His391Arg (NM_001284363.1, NM_001375272.1, NM_001438203.1 and 1 more transcripts); c.821A>G, p.His274Arg (NM_001330418.3, NM_001375273.1); c.1310A>G, p.His437Arg (NM_001375269.1); c.1268A>G, p.His423Arg (NM_001375270.1, NM_001375271.1); c.983A>G, p.His328Arg (NM_001411074.1); c.1079A>G, p.His360Arg (NM_001438205.1); short protein forms H274R, H328R, H360R, H391R, H423R, H437R, H445R.
Identifiers: ClinVar variation 4536529 (VCV004536529.2).